The following is an entry in ClinVar:

ClinVar aggregate classification (germline): Pathogenic (1 of 4 stars; one submission).

Conditions:
Hereditary cancer-predisposing syndrome. Also called: Tumor predisposition; Neoplastic Syndromes, Hereditary; Hereditary neoplastic syndrome; Hereditary Cancer Syndrome. Identifiers: Orphanet 140162, MedGen C0027672, MeSH D009386, MONDO:0015356.

Submission:

Ambry Genetics
Classification: Pathogenic for Hereditary cancer-predisposing syndrome. Last evaluated: 2024-09-10. Review status: criteria provided, single submitter. Criteria: Ambry Variant Classification Scheme 2023. Collection method: clinical testing. Allele origin: germline.
Comment: The c.4427_4428delTC pathogenic mutation, located in coding exon 28 of the ATM gene, results from a deletion of two nucleotides at nucleotide positions 4427 to 4428, causing a translational frameshift with a predicted alternate stop codon (p.I1476Kfs*14). This variant is considered to be rare based on population cohorts in the Genome Aggregation Database (gnomAD). This alteration is expected to result in loss of function by premature protein truncation or nonsense-mediated mRNA decay. As such, this alteration is interpreted as a disease-causing mutation.

NM_000051.4(ATM):c.4427_4428del (p.Ile1476fs)

Gene: ATM (ATM serine/threonine kinase; plus strand). Cytogenetic location: 11q22.3.
Variant type: Deletion.
Coding change: c.4427_4428del on transcript NM_000051.4 (MANE Select); coding-DNA positions 4427 to 4428, 2 bases deleted (TC; older notation c.4427_4428delTC).
Protein change: p.Ile1476fs; shifts the reading frame from isoleucine 1476.
Molecular consequence: frameshift variant.
Genome position (GRCh38, 1-based): chr11:108,289,792-108,289,793, TC deleted. VCF-style (leftmost placement, unchanged base first): chr11-108289791-ATC-A. GRCh37 (hg19) VCF-style: chr11-108160518-ATC-A.
Other names: c.4427_4428del, p.Ile1476fs (NM_001351834.2); short protein forms I1476fs.
Identifiers: ClinVar variation 3450838 (VCV003450838.1).